The following is an entry in ClinVar:

NM_001556.3(IKBKB):c.1689-15_1689-13del

Gene: IKBKB (inhibitor of nuclear factor kappa B kinase subunit beta; plus strand). Cytogenetic location: 8p11.21.
Variant type: Microsatellite.
Coding change: c.1689-15_1689-13del on transcript NM_001556.3 (MANE Select); 15 bases into the intron before coding-DNA position 1689 through 13 bases into the intron before coding-DNA position 1689, 3 bases deleted (CTT; older notation c.1689-15_1689-13delCTT).
Molecular consequence: intron variant.
Genome position (GRCh38, 1-based): chr8:42,321,881-42,321,883, CTT deleted; deleting any 3 consecutive bases within chr8:42,321,878-42,321,883 gives the same sequence; the c. name uses the placement nearest the transcript's 3' end. VCF-style (leftmost placement, unchanged base first): chr8-42321877-ACTT-A. GRCh37 (hg19) VCF-style: chr8-42179395-ACTT-A.
Other names: c.1512-15_1512-13del (NM_001242778.2); c.1497-15_1497-13del (NM_001190720.3).
Identifiers: ClinVar variation 3775731 (VCV003775731.1).

ClinVar aggregate classification (germline): Uncertain significance (1 of 4 stars; one submission).

Conditions:
Severe combined immunodeficiency due to IKK2 deficiency. Also called: Immunodeficiency 15; IMMUNODEFICIENCY 15B. Identifiers: Orphanet 397787, MedGen C4747743, MONDO:0014267, OMIM 615592.

Submission:

3billion
Classification: Uncertain significance for Severe combined immunodeficiency due to IKK2 deficiency. Last evaluated: 2024-01-04. Review status: criteria provided, single submitter. Criteria: ACMG Guidelines, 2015. Collection method: clinical testing. Allele origin: germline. Affected: yes.
Comment: The variant is not observed in the gnomAD v2.1.1 dataset. Predicted Consequence/Location: Intron variant In silico tools predict the variant to alter splicing and produce an abnormal transcript [SpliceAI: 0.44 (>=0.2, moderate evidence for spliceogenicity)]. Therefore, this variant is classified as VUS according to the recommendation of ACMG/AMP guideline.